The following is an entry in ClinVar:

NM_001943.5(DSG2):c.1770T>C (p.Val590=)

Gene: DSG2 (desmoglein 2; plus strand). Cytogenetic location: 18q12.1.
Variant type: single nucleotide variant.
Coding change: c.1770T>C on transcript NM_001943.5 (MANE Select); coding-DNA position 1770, T replaced by C.
Protein change: p.Val590=; no amino-acid change (valine 590 retained).
Molecular consequence: synonymous variant.
Genome position (GRCh38, 1-based): chr18:31,538,869, T>C. VCF-style: chr18-31538869-T-C. GRCh37 (hg19) VCF-style: chr18-29118832-T-C.
Identifiers: ClinVar variation 2578808 (VCV002578808.25), dbSNP rs2510918990, ClinGen allele CA503596723.

ClinVar aggregate classification (germline): Likely benign (1 of 4 stars; one submission).

Allele frequency attached by ClinVar (database versions not stated): gnomAD exomes below 0.00001.
gnomAD v4.1: 1 of 1,614,004 alleles (0.000062%); highest among the groups gnomAD compares: Non-Finnish European, 0.000085%; no homozygotes.

Submission:

CeGaT Center for Human Genetics Tuebingen
Classification: Likely benign. Last evaluated: 2023-07-01. Review status: criteria provided, single submitter. Criteria: CeGaT Center For Human Genetics Tuebingen Variant Classification Criteria Version 2. Collection method: clinical testing. Allele origin: germline. Affected: yes. Observed: 1 variant allele.
Comment: DSG2: PM2:Supporting, BP4, BP7